The following is an entry in ClinVar:

ClinVar aggregate classification (germline): Uncertain significance. Review status: criteria provided, multiple submitters, no conflicts (2 of 4 stars). 4 submissions from 4 submitters: Uncertain significance (3). 1 of the submissions does not count toward it. Last evaluated 2025-01-27.

Conditions:
Inborn genetic diseases. Identifiers: MedGen C0950123, MeSH D030342.
Retinitis pigmentosa 25 (RP25). Identifiers: Orphanet 791, MedGen C1864446, MONDO:0011272, OMIM 602772.

Allele frequency attached by ClinVar (database versions not stated): gnomAD exomes 0.00001 and 0.00003; TOPMed 0.00016; gnomAD 0.00018 and 0.00019; ESP Exome Variant Server 0.00022.
gnomAD v4.1: 45 of 1,549,004 alleles (0.0029%); highest among the groups gnomAD compares: African/African-American, 0.058%; no homozygotes.

Submissions (4):

Ambry Genetics
Classification: Uncertain significance for Inborn genetic diseases. Last evaluated: 2025-01-27. Review status: criteria provided, single submitter. Criteria: Ambry Variant Classification Scheme 2023. Collection method: clinical testing. Allele origin: germline.

Labcorp Genetics (formerly Invitae), Labcorp
Classification: Uncertain significance. Last evaluated: 2022-07-06. Review status: criteria provided, single submitter. Criteria: Invitae Variant Classification Sherloc (09022015). Collection method: clinical testing. Allele origin: germline.
Comment: This sequence change replaces cysteine, which is neutral and slightly polar, with serine, which is neutral and polar, at codon 768 of the EYS protein (p.Cys768Ser). This variant is present in population databases (rs374204063, gnomAD 0.06%). This variant has not been reported in the literature in individuals affected with EYS-related conditions. ClinVar contains an entry for this variant (Variation ID: 938684). Algorithms developed to predict the effect of missense changes on protein structure and function (SIFT, PolyPhen-2, Align-GVGD) all suggest that this variant is likely to be disruptive. In summary, the available evidence is currently insufficient to determine the role of this variant in disease. Therefore, it has been classified as a Variant of Uncertain Significance.

Blueprint Genetics
Classification: Uncertain significance. Last evaluated: 2022-05-09. Review status: criteria provided, single submitter. Criteria: ACMG Guidelines, 2015. Collection method: clinical testing. Allele origin: germline.

Natera, Inc.
Classification: Uncertain significance for Retinitis pigmentosa type 25. Last evaluated: 2021-03-25. Review status: no assertion criteria provided. Collection method: clinical testing. Allele origin: germline. Not counted in ClinVar's aggregate classification.

NM_001142800.2(EYS):c.2302T>A (p.Cys768Ser)

Gene: EYS (EGF-like photoreceptor maintenance factor; minus strand). Cytogenetic location: 6q12.
Variant type: single nucleotide variant.
Coding change: c.2302T>A on transcript NM_001142800.2 (MANE Select); coding-DNA position 2302, T replaced by A.
Protein change: p.Cys768Ser; replaces cysteine 768 with serine.
Molecular consequence: missense variant.
Genome position (GRCh38, 1-based): chr6:64,945,872, A>T on the plus strand (T>A on the coding strand, the complement: EYS is on the minus strand). VCF-style: chr6-64945872-A-T. GRCh37 (hg19) VCF-style: chr6-65655765-A-T.
Other names: c.2302T>A, p.Cys768Ser (NM_001292009.2); short protein forms C768S.
Identifiers: ClinVar variation 938684 (VCV000938684.6), dbSNP rs374204063, ClinGen allele CA140384342.